The following is an entry in ClinVar:

ClinVar aggregate classification (germline): Uncertain significance. Review status: criteria provided, multiple submitters, no conflicts (2 of 4 stars). 3 submissions from 3 submitters: Uncertain significance (2). 1 of the submissions does not count toward it. Last evaluated 2026-01-13.

Conditions:
Hereditary cancer-predisposing syndrome. Also called: Neoplastic Syndromes, Hereditary; Hereditary neoplastic syndrome; Tumor predisposition; Hereditary Cancer Syndrome. Identifiers: Orphanet 140162, MedGen C0027672, MeSH D009386, MONDO:0015356.
Fumarase deficiency (FMRD). Also called: Fumaric aciduria; Fumarate Hydratase Deficiency. Identifiers: Orphanet 24, MedGen C0342770, MONDO:0011730, OMIM 606812.

Allele frequency attached by ClinVar (database versions not stated): ExAC 0.00001; gnomAD exomes 0.00001.
gnomAD v4.1: 12 of 1,614,088 alleles (0.00074%); highest among the groups gnomAD compares: Middle Eastern, 0.017%; no homozygotes.

Submissions (3):

Labcorp Genetics (formerly Invitae), Labcorp
Classification: Uncertain significance. Last evaluated: 2026-01-13. Review status: criteria provided, single submitter. Criteria: Invitae Variant Classification Sherloc (09022015). Collection method: clinical testing. Allele origin: germline.
Comment: This sequence change replaces methionine, which is neutral and non-polar, with valine, which is neutral and non-polar, at codon 411 of the FH protein (p.Met411Val). This variant is present in population databases (rs201381362, gnomAD 0.003%). This variant has not been reported in the literature in individuals affected with FH-related conditions. ClinVar contains an entry for this variant (Variation ID: 662962). Invitae Evidence Modeling of protein sequence and biophysical properties (such as structural, functional, and spatial information, amino acid conservation, physicochemical variation, residue mobility, and thermodynamic stability) indicates that this missense variant is not expected to disrupt FH protein function with a negative predictive value of 95%. In summary, the available evidence is currently insufficient to determine the role of this variant in disease. Therefore, it has been classified as a Variant of Uncertain Significance.

Ambry Genetics
Classification: Uncertain significance for Hereditary cancer-predisposing syndrome. Last evaluated: 2025-05-28. Review status: criteria provided, single submitter. Criteria: Ambry Variant Classification Scheme 2023. Collection method: clinical testing. Allele origin: germline.
Comment: The p.M411V variant (also known as c.1231A>G), located in coding exon 8 of the FH gene, results from an A to G substitution at nucleotide position 1231. The methionine at codon 411 is replaced by valine, an amino acid with highly similar properties. This amino acid position is well conserved in available vertebrate species. In addition, this alteration is predicted to be tolerated by in silico analysis. Since supporting evidence is limited at this time, the clinical significance of this alteration remains unclear.

Natera, Inc.
Classification: Uncertain significance for Fumarase Deficiency. Last evaluated: 2025-04-02. Review status: no assertion criteria provided. Collection method: clinical testing. Allele origin: germline. Not counted in ClinVar's aggregate classification.

NM_000143.4(FH):c.1231A>G (p.Met411Val)

Gene: FH (fumarate hydratase; minus strand). Cytogenetic location: 1q43.
Variant type: single nucleotide variant.
Coding change: c.1231A>G on transcript NM_000143.4 (MANE Select); coding-DNA position 1231, A replaced by G.
Protein change: p.Met411Val; replaces methionine 411 with valine.
Molecular consequence: missense variant.
Genome position (GRCh38, 1-based): chr1:241,502,448, T>C on the plus strand (A>G on the coding strand, the complement: FH is on the minus strand). VCF-style: chr1-241502448-T-C. GRCh37 (hg19) VCF-style: chr1-241665748-T-C.
Other names: short protein forms M411V.
Identifiers: ClinVar variation 662962 (VCV000662962.17), dbSNP rs201381362, ClinGen allele CA1478525.